The following is an entry in ClinVar:

ClinVar aggregate classification (germline): Pathogenic. Review status: reviewed by expert panel (3 of 4 stars). 10 submissions from 10 submitters: Pathogenic (1). 9 of the submissions do not count toward it. Last evaluated 2016-09-08.

Conditions:
BRCA2-related cancer predisposition. Identifiers: MedGen CN377758, MONDO:0700269.
Hereditary cancer-predisposing syndrome. Also called: Tumor predisposition; Hereditary Cancer Syndrome; Neoplastic Syndromes, Hereditary; Hereditary neoplastic syndrome. Identifiers: Orphanet 140162, MedGen C0027672, MeSH D009386, MONDO:0015356.
Hereditary breast ovarian cancer syndrome. Also called: Hereditary breast and ovarian cancer; Breast and ovarian cancer; Hereditary breast and/or ovarian cancer syndrome; BRCA1- and BRCA2-Associated Hereditary Breast and Ovarian Cancer; Hereditary breast and ovarian cancer syndrome; Hereditary breast and ovarian cancer syndrome (HBOC). Identifiers: Orphanet 145, MedGen C0677776, MeSH D061325, MONDO:0003582. Disease mechanism: loss of function.
Breast-ovarian cancer, familial, susceptibility to, 2 (BROVCA2). Also called: BRCA2 Hereditary Breast and Ovarian Cancer. Identifiers: Orphanet 145, MedGen C2675520, MONDO:0012933, OMIM 612555. Disease mechanism: loss of function.

Submissions (10):

Evidence-based Network for the Interpretation of Germline Mutant Alleles (ENIGMA)
Classification: Pathogenic for Breast-ovarian cancer, familial, susceptibility to, 2. Last evaluated: 2016-09-08. Review status: reviewed by expert panel. Criteria: ENIGMA BRCA1/2 Classification Criteria (2015). Collection method: curation. Allele origin: germline.
Comment: Variant allele predicted to encode a truncated non-functional protein.

Labcorp Genetics (formerly Invitae), Labcorp
Classification: Pathogenic for Hereditary breast ovarian cancer syndrome. Last evaluated: 2024-10-03. Review status: criteria provided, single submitter. Criteria: Invitae Variant Classification Sherloc (09022015). Collection method: clinical testing. Allele origin: germline. Not counted in ClinVar's aggregate classification.
Comment: This sequence change creates a premature translational stop signal (p.Gly1761*) in the BRCA2 gene. It is expected to result in an absent or disrupted protein product. Loss-of-function variants in BRCA2 are known to be pathogenic (PMID: 20104584). This variant is not present in population databases (gnomAD no frequency). This variant has not been reported in the literature in individuals affected with BRCA2-related conditions. ClinVar contains an entry for this variant (Variation ID: 254556). For these reasons, this variant has been classified as Pathogenic.

All of Us Research Program, National Institutes of Health
Classification: Pathogenic for BRCA2-related cancer predisposition. Last evaluated: 2024-08-23. Review status: criteria provided, single submitter. Criteria: ACMG Guidelines, 2015. Collection method: clinical testing. Allele origin: germline. Inheritance: Autosomal dominant inheritance. Observed: 1 variant allele, 1 heterozygote. Not counted in ClinVar's aggregate classification.
Comment: This variant changes 1 nucleotide in exon 11 of the BRCA2 gene, creating a premature translation stop signal. This variant is expected to result in an absent or non-functional protein product. This variant has been reported in individual affected with breast and ovarian cancer (PMID: 28724667, 30982232, 31742824) and in 1 family among CIMBA participants (PMID: 29446198). This variant has not been identified in the general population by the Genome Aggregation Database (gnomAD). Loss of BRCA2 function is a known mechanism of disease. Based on the available evidence, this variant is classified as Pathogenic.

This study involves interpretation of variants in research participants for the purpose of population health screening. Participant phenotype was not available at the time of variant classification. Additional details can be found in publication PMID: 35346344, PMCID: PMC8962531

Color Diagnostics, LLC DBA Color Health
Classification: Pathogenic for Hereditary cancer-predisposing syndrome. Last evaluated: 2024-07-10. Review status: criteria provided, single submitter. Criteria: ACMG Guidelines, 2015. Collection method: clinical testing. Allele origin: germline. Not counted in ClinVar's aggregate classification.
Comment: This variant changes 1 nucleotide in exon 11 of the BRCA2 gene, creating a premature translation stop signal. This variant is expected to result in an absent or non-functional protein product. This variant has been reported in individual affected with breast and ovarian cancer (PMID: 28724667, 30982232, 31742824) and in 1 family among CIMBA participants (PMID: 29446198). This variant has not been identified in the general population by the Genome Aggregation Database (gnomAD). Loss of BRCA2 function is a known mechanism of disease. Based on the available evidence, this variant is classified as Pathogenic.

Ambry Genetics
Classification: Pathogenic for Hereditary cancer-predisposing syndrome. Last evaluated: 2022-06-01. Review status: criteria provided, single submitter. Criteria: Ambry Variant Classification Scheme 2023. Collection method: clinical testing. Allele origin: germline. Not counted in ClinVar's aggregate classification.
Comment: The p.G1761* pathogenic mutation (also known as c.5281G>T), located in coding exon 10 of the BRCA2 gene, results from a G to T substitution at nucleotide position 5281. This changes the amino acid from a glycine to a stop codon within coding exon 10. This alteration has been identified in individuals diagnosed with breast and/or ovarian cancer (Sun J et al. Clin Cancer Res, 2017 Oct;23:6113-6119; Wang J et al. Cancer Med, 2019 05;8:2074-2084; Shao D et al. Cancer Sci, 2020 Feb;111:647-657). This alteration was also identified in a large, worldwide study of BRCA1/2 mutation positive families (Rebbeck TR et al. Hum Mutat, 2018 05;39:593-620). This variant is considered to be rare based on population cohorts in the Genome Aggregation Database (gnomAD). In addition to the clinical data presented in the literature, this alteration is expected to result in loss of function by premature protein truncation or nonsense-mediated mRNA decay. As such, this alteration is interpreted as a disease-causing mutation.

Genome Diagnostics Laboratory, University Medical Center Utrecht
Classification: Pathogenic for Breast-ovarian cancer, familial, susceptibility to, 2. Last evaluated: 2017-07-28. Review status: criteria provided, single submitter. Criteria: ACGS Guidelines, 2013. Collection method: clinical testing. Allele origin: germline. Affected: yes. Study: VKGL Data-share Consensus. Not counted in ClinVar's aggregate classification.

Consortium of Investigators of Modifiers of BRCA1/2 (CIMBA), c/o University of Cambridge
Classification: Pathogenic for Breast-ovarian cancer, familial, susceptibility to, 2. Last evaluated: 2015-10-02. Review status: criteria provided, single submitter. Criteria: CIMBA Mutation Classification guidelines May 2016. Collection method: clinical testing. Allele origin: germline. Not counted in ClinVar's aggregate classification.

deCODE genetics, Amgen
Classification: Likely pathogenic for Breast-ovarian cancer, familial, susceptibility to, 2. Last evaluated: 2023-07-21. Review status: no assertion criteria provided. Collection method: research. Allele origin: germline. Affected: yes. Observed: 1 variant allele. Not counted in ClinVar's aggregate classification.
Comment: The variant NM_000059.4:c.5281G>T (chr13:32339636) in BRCA2 was detected in 1 heterozygote out of 58K WGS Icelanders (MAF= 0,001%). This variant has been reported in ClinVar previously as pathogenic. Based on ACMG criteria (PVS1, PM2) this variant classifies as likely pathogenic.

Diagnostic Laboratory, Department of Genetics, University Medical Center Groningen
Classification: Pathogenic for Breast-ovarian cancer, familial, susceptibility to, 2. Review status: no assertion criteria provided. Collection method: clinical testing. Allele origin: germline. Affected: yes. Study: VKGL Data-share Consensus. Not counted in ClinVar's aggregate classification.

Joint Genome Diagnostic Labs from Nijmegen and Maastricht, Radboudumc and MUMC+
Classification: Pathogenic. Review status: no assertion criteria provided. Collection method: clinical testing. Allele origin: germline. Affected: yes. Study: VKGL Data-share Consensus. Not counted in ClinVar's aggregate classification.

Literature cited by the submitters: PubMed 20104584 (cited by Labcorp Genetics (formerly Invitae), Labcorp); PubMed 28724667 (cited by 3 submitters); PubMed 29446198 (cited by 3 submitters); PubMed 30982232 (cited by 3 submitters); PubMed 31742824 (cited by 3 submitters).

NM_000059.4(BRCA2):c.5281G>T (p.Gly1761Ter)

Gene: BRCA2 (BRCA2 DNA repair associated; plus strand). Cytogenetic location: 13q13.1.
Variant type: single nucleotide variant.
Coding change: c.5281G>T on transcript NM_000059.4 (MANE Select); coding-DNA position 5281, G replaced by T.
Protein change: p.Gly1761Ter; replaces glycine 1761 with a stop codon.
Molecular consequence: nonsense.
Genome position (GRCh38, 1-based): chr13:32,339,636, G>T. VCF-style: chr13-32339636-G-T. GRCh37 (hg19) VCF-style: chr13-32913773-G-T.
Other names: short protein forms G1761*.
Identifiers: ClinVar variation 254556 (VCV000254556.37), dbSNP rs886038122, ClinGen allele CA10586539.